The following is an entry in ClinVar:

NM_000540.3(RYR1):c.7771C>T (p.Arg2591Trp)

Gene: RYR1 (ryanodine receptor 1; plus strand). Cytogenetic location: 19q13.2.
Variant type: single nucleotide variant.
Coding change: c.7771C>T on transcript NM_000540.3 (MANE Select); coding-DNA position 7771, C replaced by T.
Protein change: p.Arg2591Trp; replaces arginine 2591 with tryptophan.
Molecular consequence: missense variant.
Genome position (GRCh38, 1-based): chr19:38,502,663, C>T. VCF-style: chr19-38502663-C-T. GRCh37 (hg19) VCF-style: chr19-38993303-C-T.
Other names: NM_000540.2(RYR1):c.7771C>T; p.Arg2591Trp; c.7771C>T, p.Arg2591Trp (NM_001042723.2); short protein forms R2591W.
Identifiers: ClinVar variation 133211 (VCV000133211.16), dbSNP rs193922822, ClinGen allele CA024850.

ClinVar aggregate classification (germline): Uncertain significance. Review status: reviewed by expert panel (3 of 4 stars). 7 submissions from 7 submitters: Uncertain significance (1). 6 of the submissions do not count toward it. Last evaluated 2025-08-01.

Conditions:
RYR1-related disorder. Also called: RYR1-related disorders; RYR1-related condition. Identifiers: MedGen CN239331.
Malignant hyperthermia of anesthesia. Also called: Anesthesic-triggered malignant hyperthermia. Identifiers: Orphanet 423, MedGen C0024591, MONDO:0018493, HP:0034733.
Malignant hyperthermia, susceptibility to, 1 (MHS1). Also called: RYR1-Related Malignant Hyperthermia Susceptibility; Malignant hyperthermia suceptibility 1; Anesthesia related hyperthermia; Malignant hyperpyrexia; Fulminating hyperpyrexia; Pharmacogenic myopathy. Identifiers: Orphanet 423, MedGen C2930980, MONDO:0007783, OMIM 145600.

Allele frequency attached by ClinVar (database versions not stated): TOPMed 0.00001.
gnomAD v4.1: 16 of 1,611,120 alleles (0.00099%); highest among the groups gnomAD compares: Non-Finnish European, 0.0012%; no homozygotes.

Submissions (7):

ClinGen Malignant Hyperthermia Susceptibility Variant Curation Expert Panel, ClinGen
Classification: Uncertain significance for Malignant hyperthermia of anesthesia. Last evaluated: 2025-08-01. Review status: reviewed by expert panel. Criteria: ClinGen MHS ACMG Specifications V2. Collection method: curation. Allele origin: germline. Inheritance: Autosomal dominant inheritance.
Comment: This pathogenicity assessment is relevant only for malignant hyperthermia susceptibility (MHS) inherited in an autosomal dominant pattern. Variants in RYR1 can also cause other myopathies inherited in an autosomal dominant pattern or in an autosomal recessive pattern. Some of these disorders may predispose individuals to malignant hyperthermia. RYR1 variants may also contribute to a malignant hyperthermia reaction in combination with other genetic and non-genetic factors and the clinician needs to consider such factors in making management decisions. This sequence variant predicts a substitution of arginine with tryptophan at codon 2591 of the RYR1 protein, p.(Arg2591Trp). This variant was not present in a large population database (gnomAD) at the time this variant was interpreted. This variant has been reported in an individual with a personal or family history of an MH episode without a positive in vitro contracture test (IVCT) or caffeine halothane contracture test (CHCT) result, this does not meet PS4 (PMID:16917943). No functional studies were identified for this variant. This variant does not reside in a hotspot for pathogenic variants that contribute to MHS. A REVEL score of 0.697 supports neither a pathogenic nor a benign status for this variant. This variant has been classified as a Variant of Unknown Significance. No criteria implemented.

Women's Health and Genetics/Laboratory Corporation of America, LabCorp
Classification: Uncertain significance. Last evaluated: 2025-09-18. Review status: criteria provided, single submitter. Criteria: LabCorp Variant Classification Summary - May 2015. Collection method: clinical testing. Allele origin: germline. Not counted in ClinVar's aggregate classification.
Comment: Variant summary: RYR1 c.7771C>T (p.Arg2591Trp) results in a non-conservative amino acid change in the encoded protein sequence. Algorithms developed to predict the effect of missense changes on protein structure and function all suggest that this variant is likely to be disruptive. The variant was absent in 249836 control chromosomes. The available data on variant occurrences in the general population are insufficient to allow any conclusion about variant significance. c.7771C>T has been observed in an individual affected with Malignant hyperthermia (Robinson_2006). These data do not allow any conclusion about variant significance. To our knowledge, no experimental evidence demonstrating an impact on protein function has been reported. The following publication has been ascertained in the context of this evaluation (PMID: 16917943). ClinVar contains an entry for this variant (Variation ID: 133211). Based on the evidence outlined above, the variant was classified as uncertain significance.

All of Us Research Program, National Institutes of Health
Classification: Uncertain significance for Malignant hyperthermia, susceptibility to, 1. Last evaluated: 2024-08-23. Review status: criteria provided, single submitter. Criteria: ACMG Guidelines, 2015. Collection method: clinical testing. Allele origin: germline. Inheritance: Autosomal dominant inheritance. Observed: 3 variant alleles, 3 heterozygotes. Not counted in ClinVar's aggregate classification.
Comment: This missense variant replaces arginine with tryptophan at codon 2591 of the RYR1 protein. Computational prediction is inconclusive regarding the impact of this variant on protein structure and function. To our knowledge, functional studies have not been reported for this variant. This variant has been reported in an individual affected with malignant hyperthermia susceptibility (PMID: 16917943). This variant has not been identified in the general population by the Genome Aggregation Database (gnomAD). The available evidence is insufficient to determine the role of this variant in disease conclusively. Therefore, this variant is classified as a Variant of Uncertain Significance.

This study involves interpretation of variants in research participants for the purpose of population health screening. Participant phenotype was not available at the time of variant classification. Additional details can be found in publication PMID: 35346344, PMCID: PMC8962531

Color Diagnostics, LLC DBA Color Health
Classification: Uncertain significance for Malignant hyperthermia, susceptibility to, 1. Last evaluated: 2024-08-13. Review status: criteria provided, single submitter. Criteria: ACMG Guidelines, 2015. Collection method: clinical testing. Allele origin: germline. Not counted in ClinVar's aggregate classification.
Comment: This missense variant replaces arginine with tryptophan at codon 2591 of the RYR1 protein. Computational prediction is inconclusive regarding the impact of this variant on protein structure and function. To our knowledge, functional studies have not been reported for this variant. This variant has been reported in an individual affected with malignant hyperthermia susceptibility (PMID: 16917943). This variant has not been identified in the general population by the Genome Aggregation Database (gnomAD). The available evidence is insufficient to determine the role of this variant in disease conclusively. Therefore, this variant is classified as a Variant of Uncertain Significance.

Labcorp Genetics (formerly Invitae), Labcorp
Classification: Uncertain significance for RYR1-related disorder. Last evaluated: 2024-06-01. Review status: criteria provided, single submitter. Criteria: Invitae Variant Classification Sherloc (09022015). Collection method: clinical testing. Allele origin: germline. Not counted in ClinVar's aggregate classification.
Comment: This sequence change replaces arginine, which is basic and polar, with tryptophan, which is neutral and slightly polar, at codon 2591 of the RYR1 protein (p.Arg2591Trp). This variant is not present in population databases (gnomAD no frequency). This missense change has been observed in individual(s) with malignant hyperthermia (PMID: 16917943). ClinVar contains an entry for this variant (Variation ID: 133211). Advanced modeling of protein sequence and biophysical properties (such as structural, functional, and spatial information, amino acid conservation, physicochemical variation, residue mobility, and thermodynamic stability) has been performed at Invitae for this missense variant, however the output from this modeling did not meet the statistical confidence thresholds required to predict the impact of this variant on RYR1 protein function. In summary, the available evidence is currently insufficient to determine the role of this variant in disease. Therefore, it has been classified as a Variant of Uncertain Significance.

GeneDx
Classification: Uncertain significance. Last evaluated: 2019-11-01. Review status: criteria provided, single submitter. Criteria: GeneDx Variant Classification Process June 2021. Collection method: clinical testing. Allele origin: germline. Affected: yes. Not counted in ClinVar's aggregate classification.
Comment: Not observed in large population cohorts (Lek et al., 2016); In silico analysis, which includes protein predictors and evolutionary conservation, supports a deleterious effect; Observed in an individual with malignant hyperthermia, however additional clinical information was not included (Robinson et al., 2006); This variant is associated with the following publications: (PMID: 16917943)

RYR1 database
No classification provided. Review status: no classification provided. Collection method: not provided. Allele origin: unknown. Not counted in ClinVar's aggregate classification.

Literature cited by the submitters: PubMed 16917943 (cited by 4 submitters).